The following continues an entry in ClinVar:

NM_014249.4(NR2E3):c.119-2A>C

Gene: NR2E3. ClinVar aggregate classification (germline): Pathogenic/Likely pathogenic. Pathogenic (32); Likely pathogenic (3).

Submissions 31 to 46 of 46:

Centre for Mendelian Genomics, University Medical Centre Ljubljana
Classification: Pathogenic for Color vision defect; Horizontal nystagmus; Retinal dystrophy; Visual impairment. Last evaluated: 2017-01-01. Review status: criteria provided, single submitter. Criteria: ACMG Guidelines, 2015. Collection method: clinical testing. Allele origin: unknown. Affected: yes.

Clinical Genetics Service, Universitary Hospital 12 de Octubre
Classification: Pathogenic for ENHANCED S-CONE SYNDROME 1. Review status: criteria provided, single submitter. Criteria: ACMG Guidelines, 2015. Collection method: clinical testing. Allele origin: germline. Affected: yes.

Genomic Medicine Center of Excellence, King Faisal Specialist Hospital and Research Centre
Classification: Likely pathogenic. Review status: criteria provided, single submitter. Criteria: ACMG Guidelines, 2015. Collection method: research. Allele origin: germline. Affected: yes.

Intergen Genetics and Rare Diseases Diagnosis Center
Classification: Pathogenic for Retinitis pigmentosa 37; ENHANCED S-CONE SYNDROME 1. Review status: criteria provided, single submitter. Criteria: ACMG Guidelines, 2015. Collection method: clinical testing. Allele origin: unknown. Inheritance: Autosomal recessive inheritance.

Kariminejad - Najmabadi Pathology & Genetics Center
Classification: Pathogenic for ENHANCED S-CONE SYNDROME 1. Review status: criteria provided, single submitter. Criteria: ACMG Guidelines, 2015. Collection method: clinical testing. Allele origin: germline. Affected: no.

Clinical Genetics Laboratory, University Hospital Schleswig-Holstein
Classification: Pathogenic for Retinitis pigmentosa 37; ENHANCED S-CONE SYNDROME 1. Last evaluated: 2023-12-18. Review status: no assertion criteria provided. Collection method: clinical testing. Allele origin: germline. Affected: yes. Not counted in ClinVar's aggregate classification.

Sharon lab, Hadassah-Hebrew University Medical Center
Classification: Pathogenic for Enhanced S-cone syndrome. Last evaluated: 2019-06-23. Review status: no assertion criteria provided. Collection method: research. Allele origin: inherited. Affected: yes. Not counted in ClinVar's aggregate classification.

Department of Clinical Genetics, Copenhagen University Hospital, Rigshospitalet
Classification: Pathogenic for Retinitis pigmentosa. Last evaluated: 2018-04-01. Review status: no assertion criteria provided. Collection method: research. Allele origin: unknown. Affected: yes. Study: VeluxRD. Not counted in ClinVar's aggregate classification.

Joint Genome Diagnostic Labs from Nijmegen and Maastricht, Radboudumc and MUMC+
Classification: Pathogenic for Cone-rod dystrophy. Last evaluated: 2016-09-01. Review status: no assertion criteria provided. Collection method: clinical testing. Allele origin: inherited. Affected: yes. Observed: 1 variant allele. Not counted in ClinVar's aggregate classification.

Division of Human Genetics, Children's Hospital of Philadelphia
Classification: Pathogenic for Retinitis pigmentosa 37. Last evaluated: 2015-06-10. Review status: no assertion criteria provided. Collection method: research. Allele origin: germline. Affected: no. Study: CSER-PediSeq. Not counted in ClinVar's aggregate classification.
Comment: Additionally, in vivo functional studies demonstrated altered splicing (PMID 18294254; Bernal et al 2008).

NIHR Bioresource Rare Diseases, University of Cambridge
Classification: Likely pathogenic for Retinal dystrophy. Last evaluated: 2015-01-01. Review status: no assertion criteria provided. Collection method: research. Allele origin: unknown. Affected: yes. Observed: 1 variant allele. Not counted in ClinVar's aggregate classification.

OMIM
Classification: Pathogenic for ENHANCED S-CONE SYNDROME 1. Last evaluated: 2008-04-01. Review status: no assertion criteria provided. Collection method: literature only. Allele origin: germline. Not counted in ClinVar's aggregate classification.

OMIM
Classification: Pathogenic for RETINITIS PIGMENTOSA 37. Last evaluated: 2008-04-01. Review status: no assertion criteria provided. Collection method: literature only. Allele origin: germline. Not counted in ClinVar's aggregate classification.

Clinical Genetics DNA and cytogenetics Diagnostics Lab, Erasmus MC, Erasmus Medical Center
Classification: Pathogenic. Review status: no assertion criteria provided. Collection method: clinical testing. Allele origin: germline. Affected: yes. Study: VKGL Data-share Consensus. Not counted in ClinVar's aggregate classification.

Clinical Genetics, Academic Medical Center
Classification: Pathogenic. Review status: no assertion criteria provided. Collection method: clinical testing. Allele origin: germline. Affected: yes. Study: VKGL Data-share Consensus. Not counted in ClinVar's aggregate classification.

Joint Genome Diagnostic Labs from Nijmegen and Maastricht, Radboudumc and MUMC+
Classification: Pathogenic. Review status: no assertion criteria provided. Collection method: clinical testing. Allele origin: germline. Affected: yes. Study: VKGL Data-share Consensus. Not counted in ClinVar's aggregate classification.

Literature cited by the submitters: PubMed 16199547 (cited by Labcorp Genetics (formerly Invitae), Labcorp); PubMed 15459973 (cited by 5 submitters); PubMed 27522502 (cited by Labcorp Genetics (formerly Invitae), Labcorp and Variantyx, Inc.); PubMed 10655056 (cited by 8 submitters); PubMed 24474277 (cited by 4 submitters); PubMed 25079116 (cited by 4 submitters); PubMed 18294254 (cited by 9 submitters); PubMed 23989059 (cited by 4 submitters); PubMed 1829425 (cited by Variantyx, Inc.); PubMed 19718767 (cited by 4 submitters); PubMed 21217109 (cited by 4 submitters); PubMed 27033713 (cited by Natera, Inc.); PubMed 31877679 (cited by Natera, Inc. and Institute of Human Genetics, Univ. Regensburg, Univ. Regensburg); PubMed 30959774 (cited by Natera, Inc.); PubMed 36909829 (cited by Ophthalmic Genetics Group, Institute of Molecular and Clinical Ophthalmology Basel); PubMed 21686439 (cited by Institute of Human Genetics, Univ. Regensburg, Univ. Regensburg); PubMed 23591405 (cited by 4 submitters); PubMed 25097241 (cited by 4 submitters); PubMed 26894784 (cited by 3 submitters); PubMed 27573156 (cited by 3 submitters); PubMed 28224992 (cited by 3 submitters); PubMed 29193891 (cited by 3 submitters); PubMed 28559085 (cited by 3 submitters); PubMed 29343940 (cited by 3 submitters); PubMed 28771251 (cited by 3 submitters); PubMed 29431110 (cited by 3 submitters); PubMed 31306293 (cited by Institute of Human Genetics, Univ. Regensburg, Univ. Regensburg); PubMed 31589614 (cited by Institute of Human Genetics, Univ. Regensburg, Univ. Regensburg); PubMed 31725702 (cited by Institute of Human Genetics, Univ. Regensburg, Univ. Regensburg); PubMed 31130284 (cited by Institute of Human Genetics, Univ. Regensburg, Univ. Regensburg); PubMed 30324420 (cited by 3 submitters); PubMed 33138239 (cited by Institute of Human Genetics, Univ. Regensburg, Univ. Regensburg); PubMed 31964843 (cited by Institute of Human Genetics, Univ. Regensburg, Univ. Regensburg); PubMed 31980526 (cited by Institute of Human Genetics, Univ. Regensburg, Univ. Regensburg); PubMed 32552793 (cited by Institute of Human Genetics, Univ. Regensburg, Univ. Regensburg); PubMed 31456290 (cited by Institute of Human Genetics, Univ. Regensburg, Univ. Regensburg); PubMed 32581362 (cited by Institute of Human Genetics, Univ. Regensburg, Univ. Regensburg); PubMed 32531858 (cited by Institute of Human Genetics, Univ. Regensburg, Univ. Regensburg); PubMed 31816670 (cited by Institute of Human Genetics, Univ. Regensburg, Univ. Regensburg); PubMed 32037395 (cited by Institute of Human Genetics, Univ. Regensburg, Univ. Regensburg); PubMed 32679203 (cited by Institute of Human Genetics, Univ. Regensburg, Univ. Regensburg and Ambry Genetics); PubMed 34426522 (cited by Institute of Human Genetics, Univ. Regensburg, Univ. Regensburg); PubMed 33749171 (cited by Institute of Human Genetics, Univ. Regensburg, Univ. Regensburg); PubMed 36460718 (cited by Institute of Human Genetics, Univ. Regensburg, Univ. Regensburg); PubMed 35113758 (cited by Institute of Human Genetics, Univ. Regensburg, Univ. Regensburg); PubMed 36819107 (cited by Institute of Human Genetics, Univ. Regensburg, Univ. Regensburg); PubMed 30718709 (cited by Ambry Genetics and Department of Clinical Genetics, Copenhagen University Hospital, Rigshospitalet); PubMed 25703721 (cited by 3 submitters); PubMed 19273793 (cited by 3 submitters); PubMed 34906470 (cited by Broad Center for Mendelian Genomics, Broad Institute of MIT and Harvard); PubMed 28041643 (cited by NIHR Bioresource Rare Diseases, University of Cambridge).